The following is an entry in ClinVar:

ClinVar aggregate classification (germline): Uncertain significance (1 of 4 stars; one submission).

Conditions:
Hereditary cancer-predisposing syndrome. Also called: Neoplastic Syndromes, Hereditary; Tumor predisposition; Hereditary Cancer Syndrome; Hereditary neoplastic syndrome. Identifiers: Orphanet 140162, MedGen C0027672, MeSH D009386, MONDO:0015356.
Cardiovascular phenotype. Identifiers: MedGen CN230736.

Submission:

Ambry Genetics
Classification: Uncertain significance for Cardiovascular phenotype; Hereditary cancer-predisposing syndrome. Last evaluated: 2022-06-14. Review status: criteria provided, single submitter. Criteria: Ambry Variant Classification Scheme 2023. Collection method: clinical testing. Allele origin: germline.
Comment: The p.F738I variant (also known as c.2212T>A), located in coding exon 18 of the NF1 gene, results from a T to A substitution at nucleotide position 2212. The phenylalanine at codon 738 is replaced by isoleucine, an amino acid with highly similar properties. This amino acid position is conserved. In addition, the in silico prediction for this alteration is inconclusive. Since supporting evidence is limited at this time, the clinical significance of this alteration remains unclear.

NM_001042492.3(NF1):c.2212T>A (p.Phe738Ile)

Gene: NF1 (neurofibromin 1; plus strand). Cytogenetic location: 17q11.2.
Variant type: single nucleotide variant.
Coding change: c.2212T>A on transcript NM_001042492.3 (MANE Select); coding-DNA position 2212, T replaced by A.
Protein change: p.Phe738Ile; replaces phenylalanine 738 with isoleucine.
Molecular consequence: missense variant.
Genome position (GRCh38, 1-based): chr17:31,226,645, T>A. VCF-style: chr17-31226645-T-A. GRCh37 (hg19) VCF-style: chr17-29553663-T-A.
Other names: c.2212T>A, p.Phe738Ile (NM_000267.4); short protein forms F738I.
Identifiers: ClinVar variation 1787792 (VCV001787792.2), dbSNP rs2151426076, ClinGen allele CA398982503.